The following is an entry in ClinVar:

NM_000038.6(APC):c.4155C>T (p.Ser1385=)

Gene: APC (APC regulator of Wnt signaling pathway; plus strand). Cytogenetic location: 5q22.2.
Variant type: single nucleotide variant.
Coding change: c.4155C>T on transcript NM_000038.6 (MANE Select); coding-DNA position 4155, C replaced by T.
Protein change: p.Ser1385=; no amino-acid change (serine 1385 retained).
Molecular consequence: synonymous variant.
Genome position (GRCh38, 1-based): chr5:112,839,749, C>T. VCF-style: chr5-112839749-C-T. GRCh37 (hg19) VCF-style: chr5-112175446-C-T.
Other names: c.4155C>T, p.Ser1385= (NM_001127510.3, NM_001354895.2); c.4101C>T, p.Ser1367= (NM_001127511.3); c.4209C>T, p.Ser1403= (NM_001354896.2); c.4185C>T, p.Ser1395= (NM_001354897.2); c.4080C>T, p.Ser1360= (NM_001354898.2); c.4071C>T, p.Ser1357= (NM_001354899.2); c.4032C>T, p.Ser1344= (NM_001354900.2); c.3978C>T, p.Ser1326= (NM_001354901.2); and 5 more.
Identifiers: ClinVar variation 537677 (VCV000537677.15), dbSNP rs1554085568, ClinGen allele CA445964163.

ClinVar aggregate classification (germline): Benign/Likely benign. Review status: criteria provided, multiple submitters, no conflicts (2 of 4 stars). 4 submissions from 4 submitters: Benign (1); Likely benign (3). Last evaluated 2024-06-12.

Conditions:
Hereditary cancer-predisposing syndrome. Also called: Tumor predisposition; Hereditary Cancer Syndrome; Hereditary neoplastic syndrome; Neoplastic Syndromes, Hereditary. Identifiers: Orphanet 140162, MedGen C0027672, MeSH D009386, MONDO:0015356.
Familial adenomatous polyposis 1 (FAP1). Also called: FAMILIAL ADENOMATOUS POLYPOSIS 1, ATTENUATED; POLYPOSIS, ADENOMATOUS INTESTINAL. Identifiers: MedGen C2713442, MONDO:0021056, OMIM 175100. Disease mechanism: loss of function.

Allele frequency attached by ClinVar (database versions not stated): gnomAD exomes below 0.00001.
gnomAD v4.1: 2 of 1,614,108 alleles (0.00012%); highest among the groups gnomAD compares: Non-Finnish European, 0.00017%; no homozygotes.

Submissions (4):

Color Diagnostics, LLC DBA Color Health
Classification: Likely benign for Hereditary cancer-predisposing syndrome. Last evaluated: 2024-06-12. Review status: criteria provided, single submitter. Criteria: ACMG Guidelines, 2015. Collection method: clinical testing. Allele origin: germline.

Myriad Genetics, Inc.
Classification: Benign for Familial adenomatous polyposis 1. Last evaluated: 2024-03-25. Review status: criteria provided, single submitter. Criteria: Myriad Autosomal Dominant, Autosomal Recessive and X-Linked Classification Criteria (2023). Collection method: clinical testing. Allele origin: unknown.
Comment: This variant is considered benign. This variant is a silent/synonymous amino acid change and it is not expected to impact splicing.

Labcorp Genetics (formerly Invitae), Labcorp
Classification: Likely benign for Familial adenomatous polyposis 1. Last evaluated: 2023-07-26. Review status: criteria provided, single submitter. Criteria: Invitae Variant Classification Sherloc (09022015). Collection method: clinical testing. Allele origin: germline.

Ambry Genetics
Classification: Likely benign for Hereditary cancer-predisposing syndrome. Last evaluated: 2021-06-25. Review status: criteria provided, single submitter. Criteria: Ambry Variant Classification Scheme 2023. Collection method: clinical testing. Allele origin: germline.